The following is an entry in ClinVar:

ClinVar aggregate classification (germline): Uncertain significance (1 of 4 stars; one submission).

Allele frequency attached by ClinVar (database versions not stated): ESP Exome Variant Server 0.00016.
gnomAD v4.1: 129 of 1,613,754 alleles (0.008%); highest among the groups gnomAD compares: Non-Finnish European, 0.0097%; no homozygotes.

Submission:

Labcorp Genetics (formerly Invitae), Labcorp
Classification: Uncertain significance. Last evaluated: 2025-11-19. Review status: criteria provided, single submitter. Criteria: Invitae Variant Classification Sherloc (09022015). Collection method: clinical testing. Allele origin: germline.
Comment: This sequence change replaces valine, which is neutral and non-polar, with methionine, which is neutral and non-polar, at codon 199 of the DLL4 protein (p.Val199Met). This variant is present in population databases (rs138390086, gnomAD 0.008%). This variant has not been reported in the literature in individuals affected with DLL4-related conditions. ClinVar contains an entry for this variant (Variation ID: 1916133). Invitae Evidence Modeling of protein sequence and biophysical properties (such as structural, functional, and spatial information, amino acid conservation, physicochemical variation, residue mobility, and thermodynamic stability) indicates that this missense variant is not expected to disrupt DLL4 protein function with a negative predictive value of 80%. In summary, the available evidence is currently insufficient to determine the role of this variant in disease. Therefore, it has been classified as a Variant of Uncertain Significance.

NM_019074.4(DLL4):c.595G>A (p.Val199Met)

Gene: DLL4 (delta like canonical Notch ligand 4; plus strand). Cytogenetic location: 15q15.1.
Variant type: single nucleotide variant.
Coding change: c.595G>A on transcript NM_019074.4 (MANE Select); coding-DNA position 595, G replaced by A.
Protein change: p.Val199Met; replaces valine 199 with methionine.
Molecular consequence: missense variant.
Genome position (GRCh38, 1-based): chr15:40,931,703, G>A. VCF-style: chr15-40931703-G-A. GRCh37 (hg19) VCF-style: chr15-41223901-G-A.
Other names: short protein forms V199M.
Identifiers: ClinVar variation 1916133 (VCV001916133.5), dbSNP rs138390086, ClinGen allele CA7487709.